The following is an entry in ClinVar:

NM_000186.4(CFH):c.3311-3T>C

Gene: CFH (complement factor H; plus strand). Cytogenetic location: 1q31.3.
Variant type: single nucleotide variant.
Coding change: c.3311-3T>C on transcript NM_000186.4 (MANE Select); 3 bases into the intron before coding-DNA position 3311, T replaced by C.
Molecular consequence: intron variant.
Genome position (GRCh38, 1-based): chr1:196,745,814, T>C. VCF-style: chr1-196745814-T-C. GRCh37 (hg19) VCF-style: chr1-196714944-T-C.
Identifiers: ClinVar variation 2026874 (VCV002026874.4), dbSNP rs2529556499, ClinGen allele CA2580061796.

ClinVar aggregate classification (germline): Uncertain significance (1 of 4 stars; one submission).

Submission:

Labcorp Genetics (formerly Invitae), Labcorp
Classification: Uncertain significance. Last evaluated: 2022-08-24. Review status: criteria provided, single submitter. Criteria: Invitae Variant Classification Sherloc (09022015). Collection method: clinical testing. Allele origin: germline.
Comment: This variant has not been reported in the literature in individuals affected with CFH-related conditions. Variants that disrupt the consensus splice site are a relatively common cause of aberrant splicing (PMID: 17576681, 9536098). Algorithms developed to predict the effect of sequence changes on RNA splicing suggest that this variant is not likely to affect RNA splicing. In summary, the available evidence is currently insufficient to determine the role of this variant in disease. Therefore, it has been classified as a Variant of Uncertain Significance. This variant is not present in population databases (gnomAD no frequency). This sequence change falls in intron 20 of the CFH gene. It does not directly change the encoded amino acid sequence of the CFH protein. It affects a nucleotide within the consensus splice site.

Literature cited by the submitters: PubMed 17576681; PubMed 9536098.